The following is an entry in ClinVar:

NM_016239.4(MYO15A):c.8088+1G>C

Gene: MYO15A (myosin XVA; plus strand). Cytogenetic location: 17p11.2.
Variant type: single nucleotide variant.
Coding change: c.8088+1G>C on transcript NM_016239.4 (MANE Select); the canonical splice donor site of the intron after coding-DNA position 8088, G replaced by C.
Molecular consequence: splice donor variant.
Genome position (GRCh38, 1-based): chr17:18,153,897, G>C. VCF-style: chr17-18153897-G-C. GRCh37 (hg19) VCF-style: chr17-18057211-G-C.
Identifiers: ClinVar variation 2965555 (VCV002965555.4), dbSNP rs773461233, ClinGen allele CA398624924.

ClinVar aggregate classification (germline): Pathogenic/Likely pathogenic. Review status: criteria provided, multiple submitters, no conflicts (2 of 4 stars). 2 submissions from 2 submitters: Pathogenic (1); Likely pathogenic (1). Last evaluated 2025-08-20.

Allele frequency attached by ClinVar (database versions not stated): TOPMed below 0.00001.

Submissions (2):

GeneDx
Classification: Pathogenic. Last evaluated: 2025-08-20. Review status: criteria provided, single submitter. Criteria: GeneDx Variant Classification Process June 2021. Collection method: clinical testing. Allele origin: germline. Affected: yes.
Comment: Identified in a cohort of patients with hearing loss in published literature (PMID: 31541171) but additional evidence is not available; Canonical splice site variant predicted to result in a null allele in a gene for which loss of function is a known mechanism of disease; Not observed at significant frequency in large population cohorts (gnomAD); This variant is associated with the following publications: (PMID: 31541171)

Labcorp Genetics (formerly Invitae), Labcorp
Classification: Likely pathogenic. Last evaluated: 2023-09-25. Review status: criteria provided, single submitter. Criteria: Invitae Variant Classification Sherloc (09022015). Collection method: clinical testing. Allele origin: germline.
Comment: In summary, the currently available evidence indicates that the variant is pathogenic, but additional data are needed to prove that conclusively. Therefore, this variant has been classified as Likely Pathogenic. Algorithms developed to predict the effect of sequence changes on RNA splicing suggest that this variant may disrupt the consensus splice site. Disruption of this splice site has been observed in individual(s) with hearing loos (PMID: 31541171). This variant is not present in population databases (gnomAD no frequency). This sequence change affects a donor splice site in intron 43 of the MYO15A gene. It is expected to disrupt RNA splicing. Variants that disrupt the donor or acceptor splice site typically lead to a loss of protein function (PMID: 16199547), and loss-of-function variants in MYO15A are known to be pathogenic (PMID: 17546645).

Literature cited by the submitters: PubMed 31541171 (cited by Labcorp Genetics (formerly Invitae), Labcorp); PubMed 16199547 (cited by Labcorp Genetics (formerly Invitae), Labcorp); PubMed 17546645 (cited by Labcorp Genetics (formerly Invitae), Labcorp).